The following is an entry in ClinVar:

ClinVar aggregate classification (germline): Conflicting classifications of pathogenicity. Review status: criteria provided, conflicting classifications (1 of 4 stars). 4 submissions from 4 submitters: Pathogenic (1); Likely pathogenic (1); Uncertain significance (1). 1 of the submissions does not count toward it. Last evaluated 2024-12-05.

Conditions:
Neurodevelopmental disorder with visual defects and brain anomalies. Identifiers: MedGen C5231404, MONDO:0032807, OMIM 618547.

Submissions (4):

Wendy Chung Laboratory, Boston Children's Hospital
Classification: Likely pathogenic for Neurodevelopmental disorder with visual defects and brain anomalies. Last evaluated: 2024-12-05. Review status: criteria provided, single submitter. Criteria: ACMG Guidelines, 2015. Collection method: clinical testing. Allele origin: de novo. Inheritance: Autosomal dominant inheritance. Affected: yes. Observed: 1 heterozygote.
Comment: The c.1241G>A variant has been reported de novo in at least four individuals with HK1-related NEDVIBA in the literature (PMID: 30778173, 33057194, 35982159, this study) and in ClinVar (ClinVar ID = 421464) with affected status provided. The c.1241G>A variant is absent from population databases (gnomAD v4.1.0, TOPMed Freeze 10, All of Us). The c.1241G>A variant is located in exon 9 of this 18-exon gene and predicted to replace an evolutionarily conserved glycine amino acid with glutamate at position 414 [p.(Gly414Glu)] within the hexokinase large subdomain 1 of the encoded protein. At least one in silico prediction tool is in support of damaging effect for the p.(Gly414Glu) variant; however, there are no functional studies to confirm or refute these predictions. Based on available evidence this apparently de novo heterozygous c.1241G>A:p.(Gly414Glu) variant identified in HK1 in this individual is classified as Pathogenic (PS2_Very Strong + PM2_Supp + PP3).

GeneDx
Classification: Pathogenic. Last evaluated: 2024-02-24. Review status: criteria provided, single submitter. Criteria: GeneDx Variant Classification Process June 2021. Collection method: clinical testing. Allele origin: germline. Affected: yes.
Comment: Not observed at significant frequency in large population cohorts (gnomAD); In silico analysis supports that this missense variant has a deleterious effect on protein structure/function; This variant is associated with the following publications: (PMID: 30778173, 36639056)

Blueprint Genetics
Classification: Uncertain significance. Last evaluated: 2023-11-01. Review status: criteria provided, single submitter. Criteria: ACMG Guidelines, 2015. Collection method: clinical testing. Allele origin: germline.

OMIM
Classification: Pathogenic for NEURODEVELOPMENTAL DISORDER WITH VISUAL DEFECTS AND BRAIN ANOMALIES. Last evaluated: 2019-08-22. Review status: no assertion criteria provided. Collection method: literature only. Allele origin: germline. Not counted in ClinVar's aggregate classification.

Literature cited by the submitters: PubMed 30778173 (cited by OMIM).

NM_000188.3(HK1):c.1241G>A (p.Gly414Glu)

Gene: HK1 (hexokinase 1; plus strand). Cytogenetic location: 10q22.1.
Variant type: single nucleotide variant.
Coding change: c.1241G>A on transcript NM_000188.3 (MANE Select); coding-DNA position 1241, G replaced by A.
Protein change: p.Gly414Glu; replaces glycine 414 with glutamic acid.
Molecular consequence: missense variant.
Genome position (GRCh38, 1-based): chr10:69,380,071, G>A. VCF-style: chr10-69380071-G-A. GRCh37 (hg19) VCF-style: chr10-71139827-G-A.
Other names: c.1253G>A, p.Gly418Glu (NM_001322364.2, NM_001358263.1, NM_033497.3 and 1 more transcripts); c.1346G>A, p.Gly449Glu (NM_001322365.2); c.1157G>A, p.Gly386Glu (NM_001322366.1); c.1145G>A, p.Gly382Glu (NM_001322367.1); c.1238G>A, p.Gly413Glu (NM_033496.3); c.1205G>A, p.Gly402Glu (NM_033500.2); short protein forms G402E, G414E, G382E, G386E, G413E, G418E, G449E.
Identifiers: ClinVar variation 421464 (VCV000421464.6), dbSNP rs1064795154, ClinGen allele CA16618971.